The following is an entry in ClinVar:

NM_002971.6(SATB1):c.1779+578C>T

Gene: SATB1 (SATB homeobox 1; minus strand). Cytogenetic location: 3p24.3.
Variant type: single nucleotide variant.
Coding change: c.1779+578C>T on transcript NM_002971.6 (MANE Select); 578 bases into the intron after coding-DNA position 1779, C replaced by T.
Molecular consequence: intron variant.
Genome position (GRCh38, 1-based): chr3:18,351,414, G>A on the plus strand (C>T on the coding strand, the complement: SATB1 is on the minus strand). VCF-style: chr3-18351414-G-A. GRCh37 (hg19) VCF-style: chr3-18392906-G-A.
Other names: c.1779+578C>T (NM_001322874.2, NM_001322872.2, NM_001322873.2 and 2 more transcripts); c.1563+578C>T (NM_001322876.2); c.1780-6C>T (NM_001322871.2, NM_001195470.3).
Identifiers: ClinVar variation 3251262 (VCV003251262.1), dbSNP rs943868638.
Genomic context (GRCh38, chr3:18,351,414, plus strand): 5'-CTGGTAAGAAAACGCCTCTAGACTCTCCTTTCCCAAGGGTGGTGGGAGAGGGGCTCTAAA[G>A]GAAAGACAAACAGAGATGACTCACCCCTAACCTACATTCTGTAAAGTGTGGGGAGACAGC-3'

ClinVar aggregate classification (germline): Uncertain significance (1 of 4 stars; one submission).

Allele frequency attached by ClinVar (database versions not stated): gnomAD exomes below 0.00001; TOPMed below 0.00001.
gnomAD v4.1: 4 of 1,541,240 alleles (0.00026%); highest among the groups gnomAD compares: Admixed American, 0.0039%; no homozygotes.

Submission:

Women's Health and Genetics/Laboratory Corporation of America, LabCorp
Classification: Uncertain significance. Last evaluated: 2024-04-16. Review status: criteria provided, single submitter. Criteria: LabCorp Variant Classification Summary - May 2015. Collection method: clinical testing. Allele origin: germline.
Comment: Variant summary: SATB1 c.1780-6C>T alters a conserved nucleotide located close to a canonical splice site and therefore could affect mRNA splicing, leading to a significantly altered protein sequence. The variant allele was found at a frequency of 6.9e-06 in 144164 control chromosomes (gnomAD). The available data on variant occurrences in the general population are insufficient to allow any conclusion about variant significance. To our knowledge, no occurrence of c.1780-6C>T in individuals affected with SATB1-Related Disorders and no experimental evidence demonstrating its impact on protein function have been reported. No submitters have cited clinical-significance assessments for this variant to ClinVar. Based on the evidence outlined above, the variant was classified as uncertain significance.